The following is an entry in ClinVar:

ClinVar aggregate classification (germline): Uncertain significance. Review status: criteria provided, multiple submitters, no conflicts (2 of 4 stars). 3 submissions from 3 submitters: Uncertain significance (3). Last evaluated 2023-12-18.

Conditions:
RYR1-related disorder. Also called: RYR1-related disorders; RYR1-related condition. Identifiers: MedGen CN239331.
Malignant hyperthermia, susceptibility to, 1 (MHS1). Also called: RYR1-Related Malignant Hyperthermia Susceptibility; Anesthesia related hyperthermia; Malignant hyperpyrexia; Fulminating hyperpyrexia; Pharmacogenic myopathy; Malignant hyperthermia suceptibility 1. Identifiers: Orphanet 423, MedGen C2930980, MONDO:0007783, OMIM 145600.

Allele frequency attached by ClinVar (database versions not stated): gnomAD exomes below 0.00001 and 0.00001; TOPMed 0.00001.
gnomAD v4.1: 7 of 1,614,204 alleles (0.00043%); highest among the groups gnomAD compares: Non-Finnish European, 0.00051%; no homozygotes.

Submissions (3):

All of Us Research Program, National Institutes of Health
Classification: Uncertain significance for Malignant hyperthermia, susceptibility to, 1. Last evaluated: 2023-12-18. Review status: criteria provided, single submitter. Criteria: ACMG Guidelines, 2015. Collection method: clinical testing. Allele origin: germline. Inheritance: Autosomal dominant inheritance. Observed: 5 variant alleles, 5 heterozygotes.
Comment: This missense variant replaces phenylalanine with leucine at codon 4076 of the RYR1 protein. Computational prediction suggests that this variant may have deleterious impact on protein structure and function (internally defined REVEL score threshold >= 0.7, PMID: 27666373). To our knowledge, functional studies have not been reported for this variant. This variant has not been reported in individuals affected with RYR1-related disorders in the literature. This variant has been identified in 2/251492 chromosomes in the general population by the Genome Aggregation Database (gnomAD). The available evidence is insufficient to determine the role of this variant in disease conclusively. Therefore, this variant is classified as a Variant of Uncertain Significance.

This study involves interpretation of variants in research participants for the purpose of population health screening. Participant phenotype was not available at the time of variant classification. Additional details can be found in publication PMID: 35346344, PMCID: PMC8962531

Color Diagnostics, LLC DBA Color Health
Classification: Uncertain significance for Malignant hyperthermia, susceptibility to, 1. Last evaluated: 2023-11-29. Review status: criteria provided, single submitter. Criteria: ACMG Guidelines, 2015. Collection method: clinical testing. Allele origin: germline.
Comment: This missense variant replaces phenylalanine with leucine at codon 4076 of the RYR1 protein. Computational prediction suggests that this variant may have deleterious impact on protein structure and function. To our knowledge, functional studies have not been reported for this variant. This variant has not been reported in individuals affected with RYR1-related disorders in the literature. This variant has been identified in 2/251492 chromosomes in the general population by the Genome Aggregation Database (gnomAD). The available evidence is insufficient to determine the role of this variant in disease conclusively. Therefore, this variant is classified as a Variant of Uncertain Significance.

Labcorp Genetics (formerly Invitae), Labcorp
Classification: Uncertain significance for RYR1-related disorder. Last evaluated: 2023-10-14. Review status: criteria provided, single submitter. Criteria: Invitae Variant Classification Sherloc (09022015). Collection method: clinical testing. Allele origin: germline.
Comment: This sequence change replaces phenylalanine, which is neutral and non-polar, with leucine, which is neutral and non-polar, at codon 4076 of the RYR1 protein (p.Phe4076Leu). This variant is present in population databases (no rsID available, gnomAD 0.0009%). This variant has not been reported in the literature in individuals affected with RYR1-related conditions. ClinVar contains an entry for this variant (Variation ID: 1063940). Advanced modeling of protein sequence and biophysical properties (such as structural, functional, and spatial information, amino acid conservation, physicochemical variation, residue mobility, and thermodynamic stability) performed at Invitae indicates that this missense variant is expected to disrupt RYR1 protein function. In summary, the available evidence is currently insufficient to determine the role of this variant in disease. Therefore, it has been classified as a Variant of Uncertain Significance.

NM_000540.3(RYR1):c.12226T>C (p.Phe4076Leu)

Gene: RYR1 (ryanodine receptor 1; plus strand). Cytogenetic location: 19q13.2.
Variant type: single nucleotide variant.
Coding change: c.12226T>C on transcript NM_000540.3 (MANE Select); coding-DNA position 12226, T replaced by C.
Protein change: p.Phe4076Leu; replaces phenylalanine 4076 with leucine.
Molecular consequence: missense variant.
Genome position (GRCh38, 1-based): chr19:38,548,364, T>C. VCF-style: chr19-38548364-T-C. GRCh37 (hg19) VCF-style: chr19-39039004-T-C.
Other names: c.12211T>C, p.Phe4071Leu (NM_001042723.2); short protein forms F4071L, F4076L.
Identifiers: ClinVar variation 1063940 (VCV001063940.5), dbSNP rs1298885611, ClinGen allele CA405665792.